The following is an entry in ClinVar:

ClinVar aggregate classification (germline): Uncertain significance (1 of 4 stars; one submission).

Conditions:
Autosomal dominant childhood-onset proximal spinal muscular atrophy with contractures (SMALED2A). Also called: SPINAL MUSCULAR ATROPHY, LOWER EXTREMITY-PREDOMINANT, 2A, CHILDHOOD ONSET, AUTOSOMAL DOMINANT; Spinal muscular atrophy, lower extremity-predominant, 2A, autosomal dominant. Identifiers: Orphanet 363447, Orphanet 363454, MedGen C4747715, MONDO:0014121, OMIM 615290.

Submission:

Labcorp Genetics (formerly Invitae), Labcorp
Classification: Uncertain significance for Autosomal dominant childhood-onset proximal spinal muscular atrophy with contractures. Last evaluated: 2022-06-11. Review status: criteria provided, single submitter. Criteria: Invitae Variant Classification Sherloc (09022015). Collection method: clinical testing. Allele origin: germline.
Comment: In summary, the available evidence is currently insufficient to determine the role of this variant in disease. Therefore, it has been classified as a Variant of Uncertain Significance. Advanced modeling of protein sequence and biophysical properties (such as structural, functional, and spatial information, amino acid conservation, physicochemical variation, residue mobility, and thermodynamic stability) performed at Invitae indicates that this missense variant is not expected to disrupt BICD2 protein function. This variant has not been reported in the literature in individuals affected with BICD2-related conditions. This variant is not present in population databases (gnomAD no frequency). This sequence change replaces arginine, which is basic and polar, with glycine, which is neutral and non-polar, at codon 116 of the BICD2 protein (p.Arg116Gly).

NM_001003800.2(BICD2):c.346C>G (p.Arg116Gly)

Gene: BICD2 (BICD cargo adaptor 2; minus strand). Cytogenetic location: 9q22.31.
Variant type: single nucleotide variant.
Coding change: c.346C>G on transcript NM_001003800.2 (MANE Select); coding-DNA position 346, C replaced by G.
Protein change: p.Arg116Gly; replaces arginine 116 with glycine.
Molecular consequence: missense variant.
Genome position (GRCh38, 1-based): chr9:92,729,131, G>C on the plus strand (C>G on the coding strand, the complement: BICD2 is on the minus strand). VCF-style: chr9-92729131-G-C. GRCh37 (hg19) VCF-style: chr9-95491413-G-C.
Other names: c.346C>G, p.Arg116Gly (NM_015250.4); short protein forms R116G.
Identifiers: ClinVar variation 2004736 (VCV002004736.4), dbSNP rs767127458, ClinGen allele CA374027160.